The following is an entry in ClinVar:

ClinVar aggregate classification (germline): Uncertain significance (1 of 4 stars; one submission).

Conditions:
Hereditary breast ovarian cancer syndrome. Also called: Hereditary breast and ovarian cancer syndrome (HBOC); Hereditary breast and/or ovarian cancer syndrome; Hereditary breast and ovarian cancer syndrome; Breast and ovarian cancer; Hereditary breast and ovarian cancer; BRCA1- and BRCA2-Associated Hereditary Breast and Ovarian Cancer. Identifiers: Orphanet 145, MedGen C0677776, MeSH D061325, MONDO:0003582. Disease mechanism: loss of function.

Submission:

Labcorp Genetics (formerly Invitae), Labcorp
Classification: Uncertain significance for Hereditary breast ovarian cancer syndrome. Last evaluated: 2023-09-20. Review status: criteria provided, single submitter. Criteria: Invitae Variant Classification Sherloc (09022015). Collection method: clinical testing. Allele origin: germline.
Comment: In summary, the available evidence is currently insufficient to determine the role of this variant in disease. Therefore, it has been classified as a Variant of Uncertain Significance. Advanced modeling of protein sequence and biophysical properties (such as structural, functional, and spatial information, amino acid conservation, physicochemical variation, residue mobility, and thermodynamic stability) performed at Invitae indicates that this missense variant is not expected to disrupt BRCA2 protein function. This variant has not been reported in the literature in individuals affected with BRCA2-related conditions. This variant is not present in population databases (gnomAD no frequency). This sequence change replaces proline, which is neutral and non-polar, with threonine, which is neutral and polar, at codon 1947 of the BRCA2 protein (p.Pro1947Thr).

NM_000059.4(BRCA2):c.5839C>A (p.Pro1947Thr)

Gene: BRCA2 (BRCA2 DNA repair associated; plus strand). Cytogenetic location: 13q13.1.
Variant type: single nucleotide variant.
Coding change: c.5839C>A on transcript NM_000059.4 (MANE Select); coding-DNA position 5839, C replaced by A.
Protein change: p.Pro1947Thr; replaces proline 1947 with threonine.
Molecular consequence: missense variant. On other transcripts: non-coding transcript variant (1), intron variant (2).
Genome position (GRCh38, 1-based): chr13:32,340,194, C>A. VCF-style: chr13-32340194-C-A. GRCh37 (hg19) VCF-style: chr13-32914331-C-A.
Other names: c.5839C>A, p.Pro1947Thr (NM_001406719.1, NM_001406720.1); c.1910-4364C>A (NM_001406721.1); c.425-4364C>A (NM_001406722.1); short protein forms P1947T.
Identifiers: ClinVar variation 2762092 (VCV002762092.3), dbSNP rs80358812, ClinGen allele CA387787353.